The following is an entry in ClinVar:

ClinVar aggregate classification (germline): Likely pathogenic. Review status: criteria provided, multiple submitters, no conflicts (2 of 4 stars). 5 submissions from 5 submitters: Likely pathogenic (5). Last evaluated 2025-09-21.

Conditions:
Familial cancer of breast. Also called: BREAST CANCER, FAMILIAL; Hereditary breast cancer; hereditary breast carcinoma. Identifiers: Orphanet 227535, MedGen C0346153, MONDO:0016419, OMIM 114480. Disease mechanism: loss of function.

Allele frequency attached by ClinVar (database versions not stated): gnomAD exomes below 0.00001.
gnomAD v4.1: 1 of 1,612,472 alleles (0.000062%); highest among the groups gnomAD compares: Non-Finnish European, 0.000085%; no homozygotes.

Submissions (5):

Labcorp Genetics (formerly Invitae), Labcorp
Classification: Likely pathogenic for Familial cancer of breast. Last evaluated: 2025-09-21. Review status: criteria provided, single submitter. Criteria: Invitae Variant Classification Sherloc (09022015). Collection method: clinical testing. Allele origin: germline.
Comment: This sequence change affects a donor splice site in intron 1 of the BARD1 gene. It is expected to disrupt RNA splicing. Variants that disrupt the donor or acceptor splice site typically lead to a loss of protein function (PMID: 16199547), and loss-of-function variants in BARD1 are known to be pathogenic (PMID: 20077502, 21344236). This variant is not present in population databases (gnomAD no frequency). Disruption of this splice site has been observed in individual(s) with breast cancer (PMID: 30613976). ClinVar contains an entry for this variant (Variation ID: 530078). Algorithms developed to predict the effect of sequence changes on RNA splicing suggest that this variant may disrupt the consensus splice site. In summary, the currently available evidence indicates that the variant is pathogenic, but additional data are needed to prove that conclusively. Therefore, this variant has been classified as Likely Pathogenic.

Institute of Human Genetics, University of Leipzig Medical Center
Classification: Likely pathogenic for Familial cancer of breast. Last evaluated: 2024-07-29. Review status: criteria provided, single submitter. Criteria: ACMG Guidelines, 2015. Collection method: clinical testing. Allele origin: unknown. Inheritance: Autosomal dominant inheritance. Affected: yes.
Comment: Criteria applied: PVS1,PM2_SUP

Myriad Genetics, Inc.
Classification: Likely pathogenic for Familial cancer of breast. Last evaluated: 2023-05-18. Review status: criteria provided, single submitter. Criteria: Myriad Autosomal Dominant, Autosomal Recessive and X-Linked Classification Criteria (2023). Collection method: clinical testing. Allele origin: unknown.
Comment: This variant is considered likely pathogenic. This variant occurs within a consensus splice junction and is predicted to result in abnormal mRNA splicing of either an out-of-frame exon or an in-frame exon necessary for protein stability and/or normal function.

GeneDx
Classification: Likely pathogenic. Last evaluated: 2021-05-05. Review status: criteria provided, single submitter. Criteria: GeneDx Variant Classification Process June 2021. Collection method: clinical testing. Allele origin: germline. Affected: yes.
Comment: Canonical splice site variant predicted to result in a null allele in a gene for which loss-of-function is a known mechanism of disease; Not observed in large population cohorts (Lek 2016); This variant is associated with the following publications: (PMID: 30613976)

Baylor Genetics
Classification: Likely pathogenic for Familial cancer of breast. Last evaluated: 2021-04-26. Review status: criteria provided, single submitter. Criteria: ACMG Guidelines, 2015. Collection method: clinical testing. Allele origin: unknown.

Literature cited by the submitters: PubMed 16199547 (cited by Labcorp Genetics (formerly Invitae), Labcorp); PubMed 20077502 (cited by Labcorp Genetics (formerly Invitae), Labcorp); PubMed 21344236 (cited by Labcorp Genetics (formerly Invitae), Labcorp); PubMed 30613976 (cited by Labcorp Genetics (formerly Invitae), Labcorp).

NM_000465.4(BARD1):c.158+1G>T

Gene: BARD1 (BRCA1 associated RING domain 1; minus strand). Cytogenetic location: 2q35.
Variant type: single nucleotide variant.
Coding change: c.158+1G>T on transcript NM_000465.4 (MANE Select); the canonical splice donor site of the intron after coding-DNA position 158, G replaced by T.
Molecular consequence: splice donor variant.
Genome position (GRCh38, 1-based): chr2:214,809,411, C>A on the plus strand (G>T on the coding strand, the complement: BARD1 is on the minus strand). VCF-style: chr2-214809411-C-A. GRCh37 (hg19) VCF-style: chr2-215674135-C-A.
Other names: c.158+1G>T (NM_001282548.2, NM_001282543.2, NM_001282545.2 and 1 more transcripts).
Identifiers: ClinVar variation 530078 (VCV000530078.16), dbSNP rs1553628351, ClinGen allele CA350464686.